The following is an entry in ClinVar:

NM_007294.4(BRCA1):c.3025T>A (p.Ser1009Thr)

Gene: BRCA1 (BRCA1 DNA repair associated; minus strand). Cytogenetic location: 17q21.31.
Variant type: single nucleotide variant.
Coding change: c.3025T>A on transcript NM_007294.4 (MANE Select); coding-DNA position 3025, T replaced by A.
Protein change: p.Ser1009Thr; replaces serine 1009 with threonine.
Molecular consequence: missense variant. On other transcripts: intron variant (137).
Genome position (GRCh38, 1-based): chr17:43,092,506, A>T on the plus strand (T>A on the coding strand, the complement: BRCA1 is on the minus strand). VCF-style: chr17-43092506-A-T. GRCh37 (hg19) VCF-style: chr17-41244523-A-T.
Other names: c.524-1474T>A (NM_001408498.1, NM_001408499.1, NM_001408501.1 and 3 more transcripts); c.647-1474T>A (NM_001408467.1, NM_001408459.1, NM_001408456.1 and 11 more transcripts); c.785-1474T>A (NM_001408402.1, NM_001408473.1, NM_001408399.1 and 13 more transcripts); c.710-1474T>A (NM_001408414.1, NM_001408411.1, NM_001408412.1 and 2 more transcripts); c.578-1474T>A (NM_001408514.1, NM_001408485.1, NM_001408482.1 and 9 more transcripts); c.665-1474T>A (NM_001408440.1, NM_001408428.1, NM_001408425.1 and 12 more transcripts); c.671-1474T>A (NM_001408418.1, NM_001408419.1, NM_001408422.1 and 2 more transcripts); c.788-1474T>A (NM_001407981.1, NM_007298.4, NM_001407978.1 and 17 more transcripts); and 41 more; short protein forms S1009T, S962T, S1006T, S881T, S898T, S939T, S961T, S882T.
Identifiers: ClinVar variation 1302498 (VCV001302498.5), dbSNP rs2053654131, ClinGen allele CA10595943.

ClinVar aggregate classification (germline): Conflicting classifications of pathogenicity. Review status: criteria provided, conflicting classifications (1 of 4 stars). 2 submissions from 2 submitters: Uncertain significance (1); Likely benign (1). Last evaluated 2023-03-23.

Conditions:
Hereditary cancer-predisposing syndrome. Also called: Tumor predisposition; Neoplastic Syndromes, Hereditary; Hereditary Cancer Syndrome; Hereditary neoplastic syndrome. Identifiers: Orphanet 140162, MedGen C0027672, MeSH D009386, MONDO:0015356.

Submissions (2):

University of Washington Department of Laboratory Medicine, University of Washington
Classification: Likely benign for Hereditary cancer-predisposing syndrome. Last evaluated: 2023-03-23. Review status: criteria provided, single submitter. Criteria: Dines et al. (Genet Med. 2020). Collection method: curation. Allele origin: germline.
Comment: Missense variant in a coldspot region where missense variants are very unlikely to be pathogenic (PMID:31911673).

BRCA1 coldspot (exon 11 using historical exon numbering). Reclassification based on statistical prior probability

GeneDx
Classification: Uncertain significance. Last evaluated: 2019-05-30. Review status: criteria provided, single submitter. Criteria: GeneDx Variant Classification Process June 2021. Collection method: clinical testing. Allele origin: germline. Affected: yes.
Comment: Not observed at a significant frequency in large population cohorts (Lek et al., 2016); Has not been previously published as pathogenic or benign to our knowledge